The following is an entry in ClinVar:

NM_000374.5(UROD):c.130C>T (p.Pro44Ser)

Gene: UROD (uroporphyrinogen decarboxylase; plus strand). Cytogenetic location: 1p34.1.
Variant type: single nucleotide variant.
Coding change: c.130C>T on transcript NM_000374.5 (MANE Select); coding-DNA position 130, C replaced by T.
Protein change: p.Pro44Ser; replaces proline 44 with serine.
Molecular consequence: missense variant. On other transcripts: non-coding transcript variant (3).
Genome position (GRCh38, 1-based): chr1:45,013,016, C>T. VCF-style: chr1-45013016-C-T. GRCh37 (hg19) VCF-style: chr1-45478688-C-T.
Other names: short protein forms P44S.
Identifiers: ClinVar variation 3642684 (VCV003642684.2).
Genomic context (GRCh38, chr1:45,013,016, plus strand): 5'-TGGGGAGAGGAAACAGACTACACTCCCGTTTGGTGCATGCGCCAGGCAGGCCGTTACTTA[C>T]CAGGTAAGAGTCAGGGTCTGGAAATCTAGATAAAACTCCGGAGGGAGAAAAGTTTTCGAG-3'
Protein context (NP_000365.3, residues 34-54): WCMRQAGRYL[Pro44Ser]EFRETRAAQD

ClinVar aggregate classification (germline): Uncertain significance (1 of 4 stars; one submission).

Submission:

Labcorp Genetics (formerly Invitae), Labcorp
Classification: Uncertain significance. Last evaluated: 2025-06-13. Review status: criteria provided, single submitter. Criteria: Invitae Variant Classification Sherloc (09022015). Collection method: clinical testing. Allele origin: germline.
Comment: This sequence change replaces proline, which is neutral and non-polar, with serine, which is neutral and polar, at codon 44 of the UROD protein (p.Pro44Ser). This variant is present in population databases (rs146826201, gnomAD 0.01%). This variant has not been reported in the literature in individuals affected with UROD-related conditions. ClinVar contains an entry for this variant (Variation ID: 3642684). Invitae Evidence Modeling of protein sequence and biophysical properties (such as structural, functional, and spatial information, amino acid conservation, physicochemical variation, residue mobility, and thermodynamic stability) indicates that this missense variant is not expected to disrupt UROD protein function with a negative predictive value of 80%. In summary, the available evidence is currently insufficient to determine the role of this variant in disease. Therefore, it has been classified as a Variant of Uncertain Significance.